The following is an entry in ClinVar:

NM_000051.4(ATM):c.1608-18T>C

Gene: ATM (ATM serine/threonine kinase; plus strand). Cytogenetic location: 11q22.3.
Variant type: single nucleotide variant.
Coding change: c.1608-18T>C on transcript NM_000051.4 (MANE Select); 18 bases into the intron before coding-DNA position 1608, T replaced by C.
Molecular consequence: intron variant.
Genome position (GRCh38, 1-based): chr11:108,251,819, T>C. VCF-style: chr11-108251819-T-C. GRCh37 (hg19) VCF-style: chr11-108122546-T-C.
Other names: c.1608-18T>C (NM_001351834.2).
Identifiers: ClinVar variation 2815562 (VCV002815562.4), dbSNP rs2135338098, ClinGen allele CA2739266036.

ClinVar aggregate classification (germline): Likely benign. Review status: criteria provided, multiple submitters, no conflicts (2 of 4 stars). 2 submissions from 2 submitters: Likely benign (2). Last evaluated 2024-04-30.

Conditions:
Familial cancer of breast. Also called: BREAST CANCER, FAMILIAL; Hereditary breast cancer; hereditary breast carcinoma. Identifiers: Orphanet 227535, MedGen C0346153, MONDO:0016419, OMIM 114480. Disease mechanism: loss of function.
Ataxia-telangiectasia syndrome (AT). Also called: Ataxia-telangiectasia, complementation group E; ATAXIA-TELANGIECTASIA, COMPLEMENTATION GROUP A; ATAXIA-TELANGIECTASIA, FRESNO VARIANT; Ataxia-telangiectasia; LOUIS-BAR SYNDROME; Ataxia-telangiectasia, complementation group D. Identifiers: Orphanet 100, MedGen C0004135, MONDO:0008840, OMIM 208900.

Submissions (2):

Myriad Genetics, Inc.
Classification: Likely benign for Familial cancer of breast. Last evaluated: 2024-04-30. Review status: criteria provided, single submitter. Criteria: Myriad Autosomal Dominant, Autosomal Recessive and X-Linked Classification Criteria (2023). Collection method: clinical testing. Allele origin: unknown.
Comment: This variant is considered likely benign. This variant is intronic and is not expected to impact mRNA splicing.

Labcorp Genetics (formerly Invitae), Labcorp
Classification: Likely benign for Ataxia-telangiectasia syndrome. Last evaluated: 2024-01-19. Review status: criteria provided, single submitter. Criteria: Invitae Variant Classification Sherloc (09022015). Collection method: clinical testing. Allele origin: germline.